The following is an entry in ClinVar:

NM_015557.3(CHD5):c.913A>T (p.Ser305Cys)

Gene: CHD5 (chromodomain helicase DNA binding protein 5; minus strand). Cytogenetic location: 1p36.31.
Variant type: single nucleotide variant.
Coding change: c.913A>T on transcript NM_015557.3 (MANE Select); coding-DNA position 913, A replaced by T.
Protein change: p.Ser305Cys; replaces serine 305 with cysteine.
Molecular consequence: missense variant.
Genome position (GRCh38, 1-based): chr1:6,151,113, T>A on the plus strand (A>T on the coding strand, the complement: CHD5 is on the minus strand). VCF-style: chr1-6151113-T-A. GRCh37 (hg19) VCF-style: chr1-6211173-T-A.
Other names: short protein forms S305C.
Identifiers: ClinVar variation 2578558 (VCV002578558.25), dbSNP rs2525433940, ClinGen allele CA338086401.

ClinVar aggregate classification (germline): Uncertain significance (1 of 4 stars; one submission).

Submission:

CeGaT Center for Human Genetics Tuebingen
Classification: Uncertain significance. Last evaluated: 2023-07-01. Review status: criteria provided, single submitter. Criteria: CeGaT Center For Human Genetics Tuebingen Variant Classification Criteria Version 2. Collection method: clinical testing. Allele origin: germline. Affected: yes. Observed: 2 variant alleles.
Comment: CHD5: PM2, PP2